The following is an entry in ClinVar:

ClinVar aggregate classification (germline): Uncertain significance (1 of 4 stars; one submission).

Conditions:
Idiopathic generalized epilepsy. Also called: EIG; Generalised epilepsy. Identifiers: MedGen C0270850, MONDO:0005579, OMIM 600669.
Hyperaldosteronism, familial, type IV (HALD4). Also called: FH IV; ALDOSTERONISM, PRIMARY, AND HYPERTENSION. Identifiers: Orphanet 642671, MedGen C4310756, MONDO:0014875, OMIM 617027.

gnomAD v4.1: 3 of 1,603,896 alleles (0.00019%); highest among the groups gnomAD compares: South Asian, 0.0011%; no homozygotes.

Submission:

Labcorp Genetics (formerly Invitae), Labcorp
Classification: Uncertain significance for Idiopathic generalized epilepsy; Hyperaldosteronism, familial, type IV. Last evaluated: 2024-05-08. Review status: criteria provided, single submitter. Criteria: Invitae Variant Classification Sherloc (09022015). Collection method: clinical testing. Allele origin: germline.
Comment: This sequence change replaces leucine, which is neutral and non-polar, with valine, which is neutral and non-polar, at codon 311 of the CACNA1H protein (p.Leu311Val). This variant is not present in population databases (gnomAD no frequency). This variant has not been reported in the literature in individuals affected with CACNA1H-related conditions. Advanced modeling of protein sequence and biophysical properties (such as structural, functional, and spatial information, amino acid conservation, physicochemical variation, residue mobility, and thermodynamic stability) performed at Invitae indicates that this missense variant is not expected to disrupt CACNA1H protein function with a negative predictive value of 80%. In summary, the available evidence is currently insufficient to determine the role of this variant in disease. Therefore, it has been classified as a Variant of Uncertain Significance.

NM_021098.3(CACNA1H):c.931C>G (p.Leu311Val)

Gene: CACNA1H (calcium voltage-gated channel subunit alpha1 H; plus strand). Cytogenetic location: 16p13.3.
Variant type: single nucleotide variant.
Coding change: c.931C>G on transcript NM_021098.3 (MANE Select); coding-DNA position 931, C replaced by G.
Protein change: p.Leu311Val; replaces leucine 311 with valine.
Molecular consequence: missense variant.
Genome position (GRCh38, 1-based): chr16:1,200,383, C>G. VCF-style: chr16-1200383-C-G. GRCh37 (hg19) VCF-style: chr16-1250383-C-G.
Other names: c.931C>G, p.Leu311Val (NM_001005407.2); short protein forms L311V.
Identifiers: ClinVar variation 3762835 (VCV003762835.2).